The following is an entry in ClinVar:

NM_000143.4(FH):c.243T>G (p.Ile81Met)

Gene: FH (fumarate hydratase; minus strand). Cytogenetic location: 1q43.
Variant type: single nucleotide variant.
Coding change: c.243T>G on transcript NM_000143.4 (MANE Select); coding-DNA position 243, T replaced by G.
Protein change: p.Ile81Met; replaces isoleucine 81 with methionine.
Molecular consequence: missense variant.
Genome position (GRCh38, 1-based): chr1:241,517,206, A>C on the plus strand (T>G on the coding strand, the complement: FH is on the minus strand). VCF-style: chr1-241517206-A-C. GRCh37 (hg19) VCF-style: chr1-241680506-A-C.
Other names: short protein forms I81M.
Identifiers: ClinVar variation 2014250 (VCV002014250.6), dbSNP rs2147925126, ClinGen allele CA345441694.
Genomic context (GRCh38, chr1:241,517,206, plus strand): 5'-TCCAAAATAGCCAACATTTCCACAAATGCCACTTACTGGCATGCGTTCTGTCACACCTCC[A>C]ATCTTAAAGTTCATCGTAGATCTCACGGTCTGGGCGCCATAATACTTATCATTTGGCACC-3'
Protein context (NP_000134.2, residues 71-91): QTVRSTMNFK[Ile81Met]GGVTERMPTP

ClinVar aggregate classification (germline): Uncertain significance. Review status: criteria provided, multiple submitters, no conflicts (2 of 4 stars). 2 submissions from 2 submitters: Uncertain significance (2). Last evaluated 2026-04-27.

Conditions:
Hereditary cancer-predisposing syndrome. Also called: Neoplastic Syndromes, Hereditary; Tumor predisposition; Hereditary Cancer Syndrome; Hereditary neoplastic syndrome. Identifiers: Orphanet 140162, MedGen C0027672, MeSH D009386, MONDO:0015356.

Submissions (2):

Ambry Genetics
Classification: Uncertain significance for Hereditary cancer-predisposing syndrome. Last evaluated: 2026-04-27. Review status: criteria provided, single submitter. Criteria: Ambry Variant Classification Scheme 2023. Collection method: clinical testing. Allele origin: germline.
Comment: The p.I81M variant (also known as c.243T>G), located in coding exon 2 of the FH gene, results from a T to G substitution at nucleotide position 243. The isoleucine at codon 81 is replaced by methionine, an amino acid with highly similar properties. This amino acid position is highly conserved in available vertebrate species. In addition, this alteration is predicted to be deleterious by in silico analysis. Based on the available evidence, the clinical significance of this variant remains unclear.

Labcorp Genetics (formerly Invitae), Labcorp
Classification: Uncertain significance. Last evaluated: 2022-07-05. Review status: criteria provided, single submitter. Criteria: Invitae Variant Classification Sherloc (09022015). Collection method: clinical testing. Allele origin: germline.
Comment: In summary, the available evidence is currently insufficient to determine the role of this variant in disease. Therefore, it has been classified as a Variant of Uncertain Significance. Advanced modeling of protein sequence and biophysical properties (such as structural, functional, and spatial information, amino acid conservation, physicochemical variation, residue mobility, and thermodynamic stability) performed at Invitae indicates that this missense variant is expected to disrupt FH protein function. This variant has not been reported in the literature in individuals affected with FH-related conditions. This variant is not present in population databases (gnomAD no frequency). This sequence change replaces isoleucine, which is neutral and non-polar, with methionine, which is neutral and non-polar, at codon 81 of the FH protein (p.Ile81Met).